The following is an entry in ClinVar:

ClinVar aggregate classification (germline): Uncertain significance (1 of 4 stars; one submission).

Conditions:
Rubinstein-Taybi syndrome due to EP300 haploinsufficiency. Also called: EP300-Related Rubinstein-Taybi Syndrome; RUBINSTEIN-TAYBI SYNDROME 2. Identifiers: Orphanet 353284, Orphanet 783, MedGen C3150941, MONDO:0013364, OMIM 613684.

gnomAD v4.1: 1 of 1,614,216 alleles (0.000062%); highest among the groups gnomAD compares: Non-Finnish European, 0.000085%; no homozygotes.

Submission:

Labcorp Genetics (formerly Invitae), Labcorp
Classification: Uncertain significance for Rubinstein-Taybi syndrome due to EP300 haploinsufficiency. Last evaluated: 2022-07-16. Review status: criteria provided, single submitter. Criteria: Invitae Variant Classification Sherloc (09022015). Collection method: clinical testing. Allele origin: germline.
Comment: This variant is not present in population databases (gnomAD no frequency). This sequence change replaces leucine, which is neutral and non-polar, with valine, which is neutral and non-polar, at codon 2395 of the EP300 protein (p.Leu2395Val). This variant has not been reported in the literature in individuals affected with EP300-related conditions. Advanced modeling of protein sequence and biophysical properties (such as structural, functional, and spatial information, amino acid conservation, physicochemical variation, residue mobility, and thermodynamic stability) performed at Invitae indicates that this missense variant is not expected to disrupt EP300 protein function. In summary, the available evidence is currently insufficient to determine the role of this variant in disease. Therefore, it has been classified as a Variant of Uncertain Significance.

NM_001429.4(EP300):c.7183C>G (p.Leu2395Val)

Gene: EP300 (EP300 lysine acetyltransferase; plus strand). Cytogenetic location: 22q13.2.
Variant type: single nucleotide variant.
Coding change: c.7183C>G on transcript NM_001429.4 (MANE Select); coding-DNA position 7183, C replaced by G.
Protein change: p.Leu2395Val; replaces leucine 2395 with valine.
Molecular consequence: missense variant.
Genome position (GRCh38, 1-based): chr22:41,178,894, C>G. VCF-style: chr22-41178894-C-G. GRCh37 (hg19) VCF-style: chr22-41574898-C-G.
Other names: c.7105C>G, p.Leu2369Val (NM_001362843.2); short protein forms L2369V, L2395V.
Identifiers: ClinVar variation 2010606 (VCV002010606.4), dbSNP rs773300219, ClinGen allele CA411684693.
Genomic context (GRCh38, chr22:41,178,894, plus strand): 5'-CAGCTTGCTAGCAATCCAGGCATGGCAAACCTCCATGGTGCAAGCGCCACGGACCTGGGA[C>G]TCAGCACCGATAACTCAGACTTGAATTCAAACCTCTCACAGAGTACACTAGACATACACT-3'
Protein context (NP_001420.2, residues 2385-2405): LHGASATDLG[Leu2395Val]STDNSDLNSN